The following is an entry in ClinVar:

ClinVar aggregate classification (germline): Likely benign. Review status: criteria provided, single submitter (1 of 4 stars). 2 submissions from 2 submitters: Likely benign (1). 1 of the submissions does not count toward it. Last evaluated 2024-08-09.

Conditions:
SCN3A-related disorder. Also called: SCN3A-related condition.

gnomAD v4.1: 3 of 1,613,460 alleles (0.00019%); highest among the groups gnomAD compares: Middle Eastern, 0.017%; no homozygotes.

Submissions (2):

Blueprint Genetics
Classification: Likely benign. Last evaluated: 2024-08-09. Review status: criteria provided, single submitter. Criteria: ACMG Guidelines, 2015. Collection method: clinical testing. Allele origin: germline.

PreventionGenetics, part of Exact Sciences
Classification: Uncertain significance for SCN3A-related condition. Last evaluated: 2024-03-22. Review status: no assertion criteria provided. Collection method: clinical testing. Allele origin: germline. Not counted in ClinVar's aggregate classification.
Comment: The SCN3A c.5836A>G variant is predicted to result in the amino acid substitution p.Ile1946Val. To our knowledge, this variant has not been reported in the literature. This variant is reported in 0.00088% of alleles in individuals of European (Non-Finnish) descent in gnomAD. At this time, the clinical significance of this variant is uncertain due to the absence of conclusive functional and genetic evidence.

NM_006922.4(SCN3A):c.5836A>G (p.Ile1946Val)

Gene: SCN3A (sodium voltage-gated channel alpha subunit 3; minus strand). Cytogenetic location: 2q24.3.
Variant type: single nucleotide variant.
Coding change: c.5836A>G on transcript NM_006922.4 (MANE Select); coding-DNA position 5836, A replaced by G.
Protein change: p.Ile1946Val; replaces isoleucine 1946 with valine.
Molecular consequence: missense variant.
Genome position (GRCh38, 1-based): chr2:165,090,317, T>C on the plus strand (A>G on the coding strand, the complement: SCN3A is on the minus strand). VCF-style: chr2-165090317-T-C. GRCh37 (hg19) VCF-style: chr2-165946827-T-C.
Other names: c.5689A>G, p.Ile1897Val (NM_001081676.2, NM_001081677.2); short protein forms I1897V, I1946V.
Identifiers: ClinVar variation 3349392 (VCV003349392.2).